The following is an entry in ClinVar:

ClinVar aggregate classification (germline): Uncertain significance (1 of 4 stars; one submission).

Submission:

Labcorp Genetics (formerly Invitae), Labcorp
Classification: Uncertain significance. Last evaluated: 2021-01-28. Review status: criteria provided, single submitter. Criteria: Invitae Variant Classification Sherloc (09022015). Collection method: clinical testing. Allele origin: germline.
Comment: In summary, the available evidence is currently insufficient to determine the role of this variant in disease. Therefore, it has been classified as a Variant of Uncertain Significance. Algorithms developed to predict the effect of missense changes on protein structure and function output the following: SIFT: "Tolerated"; PolyPhen-2: "Benign"; Align-GVGD: "Class C0". The isoleucine amino acid residue is found in multiple mammalian species, suggesting that this missense change does not adversely affect protein function. These predictions have not been confirmed by published functional studies and their clinical significance is uncertain. This variant has not been reported in the literature in individuals with GPR143-related conditions. This variant is not present in population databases (ExAC no frequency). This sequence change replaces threonine with isoleucine at codon 384 of the GPR143 protein (p.Thr384Ile). The threonine residue is weakly conserved and there is a moderate physicochemical difference between threonine and isoleucine.

NM_000273.3(GPR143):c.1151C>T (p.Thr384Ile)

Gene: GPR143 (G protein-coupled receptor 143; minus strand). Cytogenetic location: Xp22.2.
Variant type: single nucleotide variant.
Coding change: c.1151C>T on transcript NM_000273.3 (MANE Select); coding-DNA position 1151, C replaced by T.
Protein change: p.Thr384Ile; replaces threonine 384 with isoleucine.
Molecular consequence: missense variant.
Genome position (GRCh38, 1-based): chrX:9,725,810, G>A on the plus strand (C>T on the coding strand, the complement: GPR143 is on the minus strand). VCF-style: chrX-9725810-G-A. GRCh37 (hg19) VCF-style: chrX-9693850-G-A.
Other names: short protein forms T384I.
Identifiers: ClinVar variation 1505115 (VCV001505115.8), dbSNP rs1156528797, ClinGen allele CA411992405.
Genomic context (GRCh38, chrX:9,725,810, plus strand): 5'-AGGTCTCCATGGGTTGGGAGAGCAGGGTCACCCTCATTTTTGTTGCAGGATTCACTTGCA[G>A]TGTGAATTTCAATTGTGCTGGCATCAGAACCTGGAGAGGAAAAGACAAAAGACTGACTGT-3'
Protein context (NP_000264.2, residues 374-394): GSDASTIEIH[Thr384Ile]ASESCNKNEG